The following is an entry in ClinVar:

ClinVar aggregate classification (germline): Likely benign. Review status: criteria provided, multiple submitters, no conflicts (2 of 4 stars). 2 submissions from 2 submitters: Likely benign (2). Last evaluated 2026-01-14.

gnomAD v4.1: 50 of 1,606,454 alleles (0.0031%); highest among the groups gnomAD compares: Non-Finnish European, 0.0041%; no homozygotes.

Submissions (2):

Labcorp Genetics (formerly Invitae), Labcorp
Classification: Likely benign. Last evaluated: 2026-01-14. Review status: criteria provided, single submitter. Criteria: Invitae Variant Classification Sherloc (09022015). Collection method: clinical testing. Allele origin: germline.

Mayo Clinic Laboratories, Mayo Clinic
Classification: Likely benign. Last evaluated: 2025-04-10. Review status: criteria provided, single submitter. Criteria: ACMG Guidelines, 2015. Collection method: clinical testing. Allele origin: germline. Observed: 1 variant allele.
Comment: BP4, BP7, PM2_supporting

NM_015340.4(LARS2):c.840C>T (p.His280=)

Gene: LARS2 (leucyl-tRNA synthetase 2, mitochondrial; plus strand). Cytogenetic location: 3p21.31.
Variant type: single nucleotide variant.
Coding change: c.840C>T on transcript NM_015340.4 (MANE Select); coding-DNA position 840, C replaced by T.
Protein change: p.His280=; no amino-acid change (histidine 280 retained).
Molecular consequence: synonymous variant.
Genome position (GRCh38, 1-based): chr3:45,474,332, C>T. VCF-style: chr3-45474332-C-T. GRCh37 (hg19) VCF-style: chr3-45515824-C-T.
Other names: p.His280=; c.840C>T, p.His280= (NM_001368263.1).
Identifiers: ClinVar variation 4684692 (VCV004684692.2).